The following is an entry in ClinVar:

NM_016239.4(MYO15A):c.3932T>A (p.Ile1311Lys)

Gene: MYO15A (myosin XVA; plus strand). Cytogenetic location: 17p11.2.
Variant type: single nucleotide variant.
Coding change: c.3932T>A on transcript NM_016239.4 (MANE Select); coding-DNA position 3932, T replaced by A.
Protein change: p.Ile1311Lys; replaces isoleucine 1311 with lysine.
Molecular consequence: missense variant.
Genome position (GRCh38, 1-based): chr17:18,126,856, T>A. VCF-style: chr17-18126856-T-A. GRCh37 (hg19) VCF-style: chr17-18030170-T-A.
Other names: short protein forms I1311K.
Identifiers: ClinVar variation 3384243 (VCV003384243.1).

ClinVar aggregate classification (germline): Uncertain significance (1 of 4 stars; one submission).

Submission:

GeneDx
Classification: Uncertain significance. Last evaluated: 2024-06-04. Review status: criteria provided, single submitter. Criteria: GeneDx Variant Classification Process June 2021. Collection method: clinical testing. Allele origin: germline. Affected: yes.
Comment: Not observed at significant frequency in large population cohorts (gnomAD); In silico analysis supports that this missense variant has a deleterious effect on protein structure/function; Has not been previously published as pathogenic or benign to our knowledge